The following is an entry in ClinVar:

ClinVar aggregate classification (germline): Pathogenic (1 of 4 stars; one submission).

Submission:

Quest Diagnostics Nichols Institute San Juan Capistrano
Classification: Pathogenic. Last evaluated: 2025-01-21. Review status: criteria provided, single submitter. Criteria: ACMG/ClinGen CNV Guidelines, 2019. Collection method: clinical testing. Allele origin: unknown.
Comment: This duplication involves at least 139 protein-coding genes, including PLP1 (OMIM 300401). Triplosensitivity of PLP1 is associated with X-linked Pelizeaus-Merzbacher disorder (OMIM 312080; CCID:007685). Additionally, duplications of variable size contained within Xq13.1q22.2 have been reported (Castro-Gago 2013, Mehvari 2020, Palmer 2020, Willemsen, Zerem 2023). There are no similar copy number gains of this region in the general populations of the Database of Genomic Variants. Thus, based on current medical literature, this copy number variant (CNV) is classified as pathogenic; however, clinical presentation in a female is likely dependent upon X-inactivation status. References: Castro-Gago et al., Endocrine. 2013 Feb;43(1):238. PMID: 22763470 Mehvari et al., Mol Genet Genomic Med. 2020 Oct;8(10):e1418. PMID: 32715656 Palmer et al., Am J Hum Genet. 2020 Dec 3;107(6):1157-1169. PMID: 33159883 Willemsen et al., Eur J Med Genet. 2012 Nov;55(11):586-98. PMID: 22796527 Zerem et al., Eur J Paediatr Neurol. 2023 Jul:45:29-35. PMID: 37267771

GRCh37/hg19 Xq13.1-22.2(chrX:70460290-103312921)x3

Genes: SATL1 (spermidine/spermine N1-acetyl transferase like 1; minus strand), SH3BGRL (SH3 domain binding glutamate rich protein like; plus strand), SLC16A2 (solute carrier family 16 member 2; plus strand), SRPX2 (sushi repeat containing protein X-linked 2; plus strand), SYTL4 (synaptotagmin like 4; minus strand) and 132 more. Cytogenetic location: Xq13.1-22.2.
Variant type: copy number gain.
Change: copy number 3 of chrX:70,460,290-103,312,921 (32.85 Mb, GRCh37 coordinates, 1-based), cytogenetic band Xq13.1-22.2.
Identifiers: ClinVar variation 4683035 (VCV004683035.1).